The following is an entry in ClinVar:

NM_015338.6(ASXL1):c.3961G>C (p.Asp1321His)

Gene: ASXL1 (ASXL transcriptional regulator 1; plus strand). Cytogenetic location: 20q11.21.
Variant type: single nucleotide variant.
Coding change: c.3961G>C on transcript NM_015338.6 (MANE Select); coding-DNA position 3961, G replaced by C.
Protein change: p.Asp1321His; replaces aspartic acid 1321 with histidine.
Molecular consequence: missense variant.
Genome position (GRCh38, 1-based): chr20:32,436,673, G>C. VCF-style: chr20-32436673-G-C. GRCh37 (hg19) VCF-style: chr20-31024476-G-C.
Other names: c.3778G>C, p.Asp1260His (NM_001363734.1); short protein forms D1260H, D1321H.
Identifiers: ClinVar variation 4588842 (VCV004588842.1).

ClinVar aggregate classification (germline): Uncertain significance (1 of 4 stars; one submission).

Conditions:
Inborn genetic diseases. Identifiers: MedGen C0950123, MeSH D030342.

Submission:

Ambry Genetics
Classification: Uncertain significance for Inborn genetic diseases. Last evaluated: 2025-11-30. Review status: criteria provided, single submitter. Criteria: Ambry Variant Classification Scheme 2023. Collection method: clinical testing. Allele origin: germline.
Comment: The p.D1321H variant (also known as c.3961G>C), located in coding exon 13 of the ASXL1 gene, results from a G to C substitution at nucleotide position 3961. The aspartic acid at codon 1321 is replaced by histidine, an amino acid with similar properties. This amino acid position is conserved. In addition, this alteration is predicted to be tolerated by in silico analysis. Based on the available evidence, the clinical significance of this variant remains unclear.